The following is an entry in ClinVar:

NM_018489.3(ASH1L):c.4739C>G (p.Ser1580Ter)

Gene: ASH1L (ASH1 like histone lysine methyltransferase; minus strand). Cytogenetic location: 1q22.
Variant type: single nucleotide variant.
Coding change: c.4739C>G on transcript NM_018489.3 (MANE Select); coding-DNA position 4739, C replaced by G.
Protein change: p.Ser1580Ter; replaces serine 1580 with a stop codon.
Molecular consequence: nonsense.
Genome position (GRCh38, 1-based): chr1:155,478,131, G>C on the plus strand (C>G on the coding strand, the complement: ASH1L is on the minus strand). VCF-style: chr1-155478131-G-C. GRCh37 (hg19) VCF-style: chr1-155447922-G-C.
Other names: p.Ser1580Ter; c.4739C>G, p.Ser1580Ter (NM_001366177.2); short protein forms S1580*.
Identifiers: ClinVar variation 3255571 (VCV003255571.2).

ClinVar aggregate classification (germline): Likely pathogenic (1 of 4 stars; one submission).

Conditions:
Intellectual developmental disorder, autosomal dominant 52. Also called: Intellectual disability, autosomal dominant 52; Mental retardation, autosomal dominant 52. Identifiers: MedGen C4540478, MONDO:0030918, OMIM 617796.

Submission:

Breakthrough Genomics
Classification: Likely pathogenic for Intellectual developmental disorder, autosomal dominant 52. Last evaluated: 2021-08-24. Review status: criteria provided, single submitter. Criteria: ACMG Guidelines, 2015. Collection method: clinical testing. Allele origin: germline. Affected: yes.
Comment: This variant seems to be a novel variant, as it has not been previously reported in population or public databases or in the literature. However in the ClinVar database, several other nonsense variants lying downstream of the variant, have been previously reported as likely pathogenic/pathogenic in context of intellectual disability, autosomal dominant 52. Loss-of-function variants in ASH1L gene are known to be pathogenic [PMID: 29276005].